The following is an entry in ClinVar:

NM_003072.5(SMARCA4):c.4470G>A (p.Ser1490=)

Gene: SMARCA4 (SWI/SNF related BAF chromatin remodeling complex subunit ATPase 4; plus strand). Cytogenetic location: 19p13.2.
Variant type: single nucleotide variant.
Coding change: c.4470G>A on transcript NM_003072.5 (MANE Select); coding-DNA position 4470, G replaced by A.
Protein change: p.Ser1490=; no amino-acid change (serine 1490 retained).
Molecular consequence: synonymous variant. On other transcripts: non-coding transcript variant (1).
Genome position (GRCh38, 1-based): chr19:11,058,300, G>A. VCF-style: chr19-11058300-G-A. GRCh37 (hg19) VCF-style: chr19-11168976-G-A.
Other names: c.4566G>A, p.Ser1522= (NM_001128849.3, NM_001387283.1); c.4371G>A, p.Ser1457= (NM_001374457.1, NM_001128847.4); c.4470G>A, p.Ser1490= (NM_001128844.3); c.4380G>A, p.Ser1460= (NM_001128845.2); c.4377G>A, p.Ser1459= (NM_001128846.2); c.4368G>A, p.Ser1456= (NM_001128848.2).
Identifiers: ClinVar variation 415164 (VCV000415164.20), dbSNP rs750556885, ClinGen allele CA9204754.

ClinVar aggregate classification (germline): Benign/Likely benign. Review status: criteria provided, multiple submitters, no conflicts (2 of 4 stars). 5 submissions from 5 submitters: Benign (1); Likely benign (3). 1 of the submissions does not count toward it. Last evaluated 2026-07-22.

Conditions:
SMARCA4-related disorder. Also called: SMARCA4-related condition.
Hereditary cancer-predisposing syndrome. Also called: Hereditary Cancer Syndrome; Hereditary neoplastic syndrome; Neoplastic Syndromes, Hereditary; Tumor predisposition. Identifiers: Orphanet 140162, MedGen C0027672, MeSH D009386, MONDO:0015356.
Rhabdoid tumor predisposition syndrome 2 (RTPS2). Identifiers: Orphanet 231108, Orphanet 69077, MedGen C2750074, MONDO:0013224, OMIM 613325.

Allele frequency attached by ClinVar (database versions not stated): ExAC 0.00001; TOPMed 0.00005.
gnomAD v4.1: 64 of 1,613,544 alleles (0.004%); highest among the groups gnomAD compares: Non-Finnish European, 0.0053%; no homozygotes.

Submissions (5):

Myriad Genetics, Inc.
Classification: Benign for Rhabdoid tumor predisposition syndrome 2. Last evaluated: 2026-07-22. Review status: criteria provided, single submitter. Criteria: Myriad Autosomal Dominant, Autosomal Recessive and X-Linked Classification Criteria (2023). Collection method: clinical testing. Allele origin: unknown.
Comment: This variant is considered benign. This variant is a silent/synonymous amino acid change and it is not expected to impact splicing.

Labcorp Genetics (formerly Invitae), Labcorp
Classification: Likely benign for Rhabdoid tumor predisposition syndrome 2. Last evaluated: 2025-11-10. Review status: criteria provided, single submitter. Criteria: Invitae Variant Classification Sherloc (09022015). Collection method: clinical testing. Allele origin: germline.

Quest Diagnostics Nichols Institute San Juan Capistrano
Classification: Likely benign. Last evaluated: 2025-02-10. Review status: criteria provided, single submitter. Criteria: Quest Diagnostics criteria. Collection method: clinical testing. Allele origin: unknown.

Ambry Genetics
Classification: Likely benign for Hereditary cancer-predisposing syndrome. Last evaluated: 2015-09-24. Review status: criteria provided, single submitter. Criteria: Ambry Variant Classification Scheme 2023. Collection method: clinical testing. Allele origin: germline.

PreventionGenetics, part of Exact Sciences
Classification: Likely benign for SMARCA4-related condition. Last evaluated: 2022-08-10. Review status: no assertion criteria provided. Collection method: clinical testing. Allele origin: germline. Not counted in ClinVar's aggregate classification.
Comment: This variant is classified as likely benign based on ACMG/AMP sequence variant interpretation guidelines (Richards et al. 2015 PMID: 25741868, with internal and published modifications).